The following is an entry in ClinVar:

NM_017514.5(PLXNA3):c.1556G>T (p.Arg519Leu)

Gene: PLXNA3 (plexin A3; plus strand). Cytogenetic location: Xq28.
Variant type: single nucleotide variant.
Coding change: c.1556G>T on transcript NM_017514.5 (MANE Select); coding-DNA position 1556, G replaced by T.
Protein change: p.Arg519Leu; replaces arginine 519 with leucine.
Molecular consequence: missense variant.
Genome position (GRCh38, 1-based): chrX:154,463,959, G>T. VCF-style: chrX-154463959-G-T. GRCh37 (hg19) VCF-style: chrX-153692302-G-T.
Other names: c.1556G>T (NM_017514.3); short protein forms R519L.
Identifiers: ClinVar variation 2631987 (VCV002631987.3), dbSNP rs369435958, ClinGen allele CA10564090.
Genomic context (GRCh38, chrX:154,463,959, plus strand): 5'-CTGGGCCCTCCCGGGGCAGTGGCGGGACCGGCTCTGGCCCGACCCCGTGCAGGTGCTGCC[G>T]CGAAGGGGCCTGTCTGGGCGCCTCTGCCCCACACGGCTTTGCTGAGGAGCTGAGCAAGTG-3'
Protein context (NP_059984.3, residues 509-529): GWCVLRHRCC[Arg519Leu]EGACLGASAP

ClinVar aggregate classification (germline): Uncertain significance. Review status: criteria provided, multiple submitters, no conflicts (2 of 4 stars). 2 submissions from 2 submitters: Uncertain significance (2). Last evaluated 2026-03-27.

Conditions:
PLXNA3-related disorder. Also called: PLXNA3-related condition.

Allele frequency attached by ClinVar (database versions not stated): ESP Exome Variant Server 0.00019; 1000 Genomes Project 30x 0.00021; 1000 Genomes Project 0.00026.
gnomAD v4.1: 51 of 1,171,550 alleles (0.0044%); highest among the groups gnomAD compares: African/African-American, 0.066%; no homozygotes.

Submissions (2):

PreventionGenetics, part of Exact Sciences
Classification: Uncertain significance for PLXNA3-related condition. Last evaluated: 2026-03-27. Review status: criteria provided, single submitter. Criteria: ACMG Guidelines, 2015. Collection method: clinical testing. Allele origin: germline.
Comment: The PLXNA3 c.1556G>T variant is predicted to result in the amino acid substitution p.Arg519Leu. To our knowledge, this variant has not been reported in the literature. This variant is reported in 0.068% of alleles in individuals of African descent in gnomAD, including two hemizygotes. Although we suspect that this variant may be benign, at this time, the clinical significance of this variant is uncertain due to the absence of conclusive functional and genetic evidence.

Ambry Genetics
Classification: Uncertain significance. Last evaluated: 2024-07-30. Review status: criteria provided, single submitter. Criteria: Ambry Variant Classification Scheme 2023. Collection method: clinical testing. Allele origin: germline.